The following is an entry in ClinVar:

ClinVar aggregate classification (germline): Pathogenic (1 of 4 stars; one submission).

Conditions:
Primary ciliary dyskinesia. Also called: Ciliary dyskinesia. Identifiers: Orphanet 244, MedGen C0008780, MONDO:0016575, HP:0012265.

Submission:

Labcorp Genetics (formerly Invitae), Labcorp
Classification: Pathogenic for Primary ciliary dyskinesia. Last evaluated: 2025-12-16. Review status: criteria provided, single submitter. Criteria: Invitae Variant Classification Sherloc (09022015). Collection method: clinical testing. Allele origin: germline.
Comment: This sequence change creates a premature translational stop signal (p.Glu741Glyfs*27) in the RPGR (ORF15) gene. While this is not anticipated to result in nonsense mediated decay, it is expected to disrupt the last 412 amino acid(s) of the RPGR (ORF15) protein. This variant is not present in population databases (gnomAD no frequency). This variant has not been reported in the literature in individuals affected with RPGR (ORF15)-related conditions. This variant disrupts a region of the RPGR (ORF15) protein in which other variant(s) (p.Leu1130Lysfs*13) have been determined to be pathogenic (PMID: 22264887). This suggests that this is a clinically significant region of the protein, and that variants that disrupt it are likely to be disease-causing. For these reasons, this variant has been classified as Pathogenic.

Literature cited by the submitters: PubMed 22264887.

NM_001034853.2(RPGR):c.2222_2226del (p.Glu741fs)

Gene: RPGR (retinitis pigmentosa GTPase regulator; minus strand). Cytogenetic location: Xp11.4.
Variant type: Deletion.
Coding change: c.2222_2226del on transcript NM_001034853.2 (MANE Select); coding-DNA positions 2222 to 2226, 5 bases deleted (AGGAG; older notation c.2222_2226delAGGAG).
Protein change: p.Glu741fs; shifts the reading frame from glutamic acid 741.
Molecular consequence: frameshift variant. On other transcripts: intron variant (8).
Genome position (GRCh38, 1-based): chrX:38,286,773-38,286,777, CTCCT deleted on the plus strand (AGGAG on the coding strand, the reverse complement: RPGR is on the minus strand); deleting any 5 consecutive bases within chrX:38,286,773-38,286,779 gives the same sequence; the c. name uses the placement nearest the transcript's 3' end. VCF-style (leftmost placement, unchanged base first): chrX-38286772-CCTCCT-C. GRCh37 (hg19) VCF-style: chrX-38146025-CCTCCT-C.
Other names: c.1569+4182_1569+4186del (NM_001367249.1, NM_001367250.1); c.1902+317_1902+321del (NM_001367245.1); c.1386+4182_1386+4186del (NM_001367251.1); c.1719+317_1719+321del (NM_001367246.1); c.1572+4182_1572+4186del (NM_001367247.1); c.1905+317_1905+321del (NM_000328.3); c.1602+4182_1602+4186del (NM_001367248.1); short protein forms E741fs.
Identifiers: ClinVar variation 4733444 (VCV004733444.1).